The following is an entry in ClinVar:

ClinVar aggregate classification (germline): Conflicting classifications of pathogenicity. Review status: criteria provided, conflicting classifications (1 of 4 stars). 4 submissions from 4 submitters: Uncertain significance (1); Benign (1); Likely benign (2). Last evaluated 2026-01-20.

Conditions:
Hypomyelination and Congenital Cataract (HLD5). Also called: hypomyelinating leukodystrophy 5. Identifiers: Orphanet 85163, MedGen C1864663, MONDO:0012514, OMIM 610532.

Allele frequency attached by ClinVar (database versions not stated): gnomAD exomes 0.00051 and 0.00016; ExAC 0.00053; gnomAD 0.00017 and 0.00021; 1000 Genomes Project 30x 0.00031; 1000 Genomes Project 0.00040; TOPMed 0.00040.
gnomAD v4.1: 260 of 1,613,784 alleles (0.016%); highest among the groups gnomAD compares: East Asian, 0.56%; no homozygotes.

Submissions (4):

Labcorp Genetics (formerly Invitae), Labcorp
Classification: Benign for Hypomyelination and Congenital Cataract. Last evaluated: 2026-01-20. Review status: criteria provided, single submitter. Criteria: Invitae Variant Classification Sherloc (09022015). Collection method: clinical testing. Allele origin: germline.

Blueprint Genetics
Classification: Uncertain significance. Last evaluated: 2024-05-29. Review status: criteria provided, single submitter. Criteria: ACMG Guidelines, 2015. Collection method: clinical testing. Allele origin: germline.

GeneDx
Classification: Likely benign. Last evaluated: 2019-08-26. Review status: criteria provided, single submitter. Criteria: GeneDx Variant Classification Process June 2021. Collection method: clinical testing. Allele origin: germline. Affected: yes.
Comment: In silico analysis, which includes protein predictors and evolutionary conservation, supports that this variant does not alter protein structure/function; Has not been previously published as pathogenic or benign to our knowledge

Illumina Laboratory Services, Illumina
Classification: Likely benign for Hypomyelination and Congenital Cataract. Last evaluated: 2018-01-13. Review status: criteria provided, single submitter. Criteria: ICSL Variant Classification Criteria 13 December 2019. Collection method: clinical testing. Allele origin: germline.
Comment: This variant was observed in the ICSL laboratory as part of a predisposition screen in an ostensibly healthy population. It had not been previously curated by ICSL or reported in the Human Gene Mutation Database (HGMD: prior to June 1st, 2018), and was therefore a candidate for classification through an automated scoring system. Utilizing variant allele frequency, disease prevalence and penetrance estimates, and inheritance mode, an automated score was calculated to assess if this variant is too frequent to cause the disease. Based on the score and internal cut-off values, a variant classified as likely benign is not then subjected to further curation. The score for this variant resulted in a classification of likely benign for this disease.

NM_032581.4(HYCC1):c.1201T>C (p.Cys401Arg)

Gene: HYCC1 (hyccin PI4KA lipid kinase complex subunit 1; minus strand). Cytogenetic location: 7p15.3.
Variant type: single nucleotide variant.
Coding change: c.1201T>C on transcript NM_032581.4 (MANE Select); coding-DNA position 1201, T replaced by C.
Protein change: p.Cys401Arg; replaces cysteine 401 with arginine.
Molecular consequence: missense variant. On other transcripts: 3 prime UTR variant (2).
Genome position (GRCh38, 1-based): chr7:22,945,954, A>G on the plus strand (T>C on the coding strand, the complement: HYCC1 is on the minus strand). VCF-style: chr7-22945954-A-G. GRCh37 (hg19) VCF-style: chr7-22985573-A-G.
Other names: c.*237T>C (NM_001363466.2); c.*195T>C (NM_001363467.2); short protein forms C401R.
Identifiers: ClinVar variation 432657 (VCV000432657.15), dbSNP rs563938932, ClinGen allele CA4185765.
Genomic context (GRCh38, chr7:22,945,954, plus strand): 5'-GAAGCTCAAGATTCTCACTTTGGGCTCTCTGAGTTTGTTTTCGAGCAAAGTGATCTTTGC[A>G]AGATTCCCCTGTAGTTTCTTTTTCTTTTCCTCCAGTTTTGCTTCCTCCTGACCGTCTGTG-3'
Protein context (NP_115970.2, residues 391-411): GKEKETTGES[Cys401Arg]KDHFARKQTQ